The following is an entry in ClinVar:

ClinVar aggregate classification (germline): Uncertain significance (1 of 4 stars; one submission).

Allele frequency attached by ClinVar (database versions not stated): gnomAD 0.00001.
gnomAD v4.1: 4 of 1,562,702 alleles (0.00026%); highest among the groups gnomAD compares: African/African-American, 0.0014%; no homozygotes.

Submission:

Labcorp Genetics (formerly Invitae), Labcorp
Classification: Uncertain significance. Last evaluated: 2022-02-23. Review status: criteria provided, single submitter. Criteria: Invitae Variant Classification Sherloc (09022015). Collection method: clinical testing. Allele origin: germline.
Comment: This sequence change replaces threonine, which is neutral and polar, with isoleucine, which is neutral and non-polar, at codon 246 of the IFT74 protein (p.Thr246Ile). This variant is present in population databases (no rsID available, gnomAD 0.007%). This variant has not been reported in the literature in individuals affected with IFT74-related conditions. Algorithms developed to predict the effect of missense changes on protein structure and function (SIFT, PolyPhen-2, Align-GVGD) all suggest that this variant is likely to be tolerated. In summary, the available evidence is currently insufficient to determine the role of this variant in disease. Therefore, it has been classified as a Variant of Uncertain Significance.

NM_025103.4(IFT74):c.737C>T (p.Thr246Ile)

Gene: IFT74 (intraflagellar transport 74; plus strand). Cytogenetic location: 9p21.2.
Variant type: single nucleotide variant.
Coding change: c.737C>T on transcript NM_025103.4 (MANE Select); coding-DNA position 737, C replaced by T.
Protein change: p.Thr246Ile; replaces threonine 246 with isoleucine.
Molecular consequence: missense variant.
Genome position (GRCh38, 1-based): chr9:27,011,916, C>T. VCF-style: chr9-27011916-C-T. GRCh37 (hg19) VCF-style: chr9-27011914-C-T.
Other names: c.737C>T, p.Thr246Ile (NM_001099222.3, NM_001099223.3, NM_001099224.3 and 1 more transcripts); short protein forms T246I.
Identifiers: ClinVar variation 1942509 (VCV001942509.5), dbSNP rs376362664, ClinGen allele CA373117666.
Genomic context (GRCh38, chr9:27,011,916, plus strand): 5'-TTATTCTTAATGTAATTTGGATTTATGTTTGCTTTTTTTTTTCCACTTAGGAATTAGATA[C>T]ACTTCAACAACAATTGGATTCACAGAACATGAAAAAAGAGAGCCTGGAAGCAGTAAGTAT-3'
Protein context (NP_079379.2, residues 236-256): TNEKLLQELD[Thr246Ile]LQQQLDSQNM